The following is an entry in ClinVar:

NM_001110556.2(FLNA):c.7365C>G (p.Ser2455Arg)

Gene: FLNA (filamin A; minus strand). Cytogenetic location: Xq28.
Variant type: single nucleotide variant.
Coding change: c.7365C>G on transcript NM_001110556.2 (MANE Select); coding-DNA position 7365, C replaced by G.
Protein change: p.Ser2455Arg; replaces serine 2455 with arginine.
Molecular consequence: missense variant.
Genome position (GRCh38, 1-based): chrX:154,349,836, G>C on the plus strand (C>G on the coding strand, the complement: FLNA is on the minus strand). VCF-style: chrX-154349836-G-C. GRCh37 (hg19) VCF-style: chrX-153578204-G-C.
Other names: c.7365C>G (NM_001110556.1); c.7341C>G, p.Ser2447Arg (NM_001456.4); short protein forms S2447R, S2455R.
Identifiers: ClinVar variation 465019 (VCV000465019.16), dbSNP rs199677057, ClinGen allele CA10559897.
Genomic context (GRCh38, chrX:154,349,836, plus strand): 5'-ATCCATCTTCACCTTGGAGGGGCCGTCAATGGTCACCGACAGGGCACCAGCTCCCGCATT[G>C]CTCGTGTTCACGACGAACTCAGCTGGGTTCCCTGGGAGCACAGGAGGTCAGGCAGAGCCA-3'
Protein context (NP_001104026.1, residues 2445-2465): GNPAEFVVNT[Ser2455Arg]NAGAGALSVT

ClinVar aggregate classification (germline): Benign/Likely benign. Review status: criteria provided, multiple submitters, no conflicts (2 of 4 stars). 6 submissions from 6 submitters: Benign (1); Likely benign (5). Last evaluated 2026-01-25.

Conditions:
Frontometaphyseal dysplasia (FMD1). Identifiers: Orphanet 1826, MedGen C0265293, MONDO:0015942.
Oto-palato-digital syndrome, type II (OPD2). Also called: Otopalatodigital Syndrome Type 2 (FLNA-OPD2); FACIOPALATOOSSEOUS SYNDROME; OPD II SYNDROME; Otopalatodigital Syndrome, Type II. Identifiers: Orphanet 669, Orphanet 90652, MedGen C1844696, MONDO:0010571, OMIM 304120.
Melnick-Needles syndrome (MNS). Also called: Melnick-Needles Syndrome (FLNA-MNS); MELNICK-NEEDLES OSTEODYSPLASTY; OSTEODYSPLASTY OF MELNICK AND NEEDLES. Identifiers: Orphanet 2484, MedGen C0025237, MONDO:0010650, OMIM 309350.
Heterotopia, periventricular, X-linked dominant (PVNH1). Also called: PERIVENTRICULAR NODULAR HETEROTOPIA 1; X-linked periventricular heterotopia; PERIVENTRICULAR NODULAR HETEROTOPIA 4; HETEROTOPIA, PERIVENTRICULAR, 1. Identifiers: Orphanet 2149, Orphanet 82004, MedGen C1848213, MONDO:0010233, OMIM 300049.
FLNA-related disorder.
Familial thoracic aortic aneurysm and aortic dissection (TAAD). Also called: Thoracic aortic aneurysms and dissections. Identifiers: Orphanet 91387, MedGen C4707243, MONDO:0019625.

Allele frequency attached by ClinVar (database versions not stated): TOPMed 0.00003; ESP Exome Variant Server 0.00010; gnomAD 0.00010.
gnomAD v4.1: 58 of 1,210,077 alleles (0.0048%); highest among the groups gnomAD compares: Non-Finnish European, 0.0045%; no homozygotes.

Submissions (6):

Labcorp Genetics (formerly Invitae), Labcorp
Classification: Likely benign for Oto-palato-digital syndrome, type II; Heterotopia, periventricular, X-linked dominant; Frontometaphyseal dysplasia; Melnick-Needles syndrome. Last evaluated: 2026-01-25. Review status: criteria provided, single submitter. Criteria: Invitae Variant Classification Sherloc (09022015). Collection method: clinical testing. Allele origin: germline.

PreventionGenetics, part of Exact Sciences
Classification: Likely benign for FLNA-related condition. Last evaluated: 2025-11-21. Review status: criteria provided, single submitter. Criteria: ACMG Guidelines, 2015. Collection method: clinical testing. Allele origin: germline.
Comment: This variant is classified as likely benign based on ACMG/AMP sequence variant interpretation guidelines (Richards et al. 2015 PMID: 25741868, with internal and published modifications).

Ambry Genetics
Classification: Benign for Familial thoracic aortic aneurysm and aortic dissection. Last evaluated: 2025-07-25. Review status: criteria provided, single submitter. Criteria: Ambry Variant Classification Scheme 2023. Collection method: clinical testing. Allele origin: germline.

Laboratory of Genetics, Children's Clinical University Hospital Latvia
Classification: Likely benign. Last evaluated: 2025-02-16. Review status: criteria provided, single submitter. Criteria: ACMG Guidelines, 2015. Collection method: clinical testing. Allele origin: germline. Affected: yes.

Blueprint Genetics
Classification: Likely benign. Last evaluated: 2024-07-30. Review status: criteria provided, single submitter. Criteria: ACMG Guidelines, 2015. Collection method: clinical testing. Allele origin: germline.

GeneDx
Classification: Likely benign. Last evaluated: 2018-02-15. Review status: criteria provided, single submitter. Criteria: GeneDx Variant Classification (06012015). Collection method: clinical testing. Allele origin: germline. Affected: yes.
Comment: This variant is considered likely benign or benign based on one or more of the following criteria: it is a conservative change, it occurs at a poorly conserved position in the protein, it is predicted to be benign by multiple in silico algorithms, and/or has population frequency not consistent with disease.